The following is an entry in ClinVar:

NM_017763.6(RNF43):c.404G>C (p.Ser135Thr)

Gene: RNF43 (ring finger protein 43; minus strand). Cytogenetic location: 17q22.
Variant type: single nucleotide variant.
Coding change: c.404G>C on transcript NM_017763.6 (MANE Select); coding-DNA position 404, G replaced by C.
Protein change: p.Ser135Thr; replaces serine 135 with threonine.
Molecular consequence: missense variant.
Genome position (GRCh38, 1-based): chr17:58,363,572, C>G on the plus strand (G>C on the coding strand, the complement: RNF43 is on the minus strand). VCF-style: chr17-58363572-C-G. GRCh37 (hg19) VCF-style: chr17-56440933-C-G.
Other names: c.404G>C, p.Ser135Thr (NM_001305544.3); c.23G>C, p.Ser8Thr (NM_001305545.2); short protein forms S135T, S8T.
Identifiers: ClinVar variation 3661745 (VCV003661745.2).
Genomic context (GRCh38, chr17:58,363,572, plus strand): 5'-ATGTCCCTGGGTACCTGCTCAGCAGCAGCTCGATCCTCAGTGATGTCAAAGAGGACAGCA[C>G]TGGCTCCTCGCTCACCCGCCATCCGAGCCTGCAGAGGCACACAGTAGAGGTTGGGCTGAG-3'
Protein context (NP_060233.3, residues 125-145): KARMAGERGA[Ser135Thr]AVLFDITEDR

ClinVar aggregate classification (germline): Uncertain significance (1 of 4 stars; one submission).

Submission:

Labcorp Genetics (formerly Invitae), Labcorp
Classification: Uncertain significance. Last evaluated: 2024-09-27. Review status: criteria provided, single submitter. Criteria: Invitae Variant Classification Sherloc (09022015). Collection method: clinical testing. Allele origin: germline.
Comment: This sequence change replaces serine, which is neutral and polar, with threonine, which is neutral and polar, at codon 135 of the RNF43 protein (p.Ser135Thr). This variant is not present in population databases (gnomAD no frequency). This variant has not been reported in the literature in individuals affected with RNF43-related conditions. An algorithm developed to predict the effect of missense changes on protein structure and function (PolyPhen-2) suggests that this variant is likely to be tolerated. In summary, the available evidence is currently insufficient to determine the role of this variant in disease. Therefore, it has been classified as a Variant of Uncertain Significance.